The following is an entry in ClinVar:

ClinVar aggregate classification (germline): Uncertain significance. Review status: criteria provided, multiple submitters, no conflicts (2 of 4 stars). 2 submissions from 2 submitters: Uncertain significance (2). Last evaluated 2025-02-15.

gnomAD v4.1: 56 of 1,612,284 alleles (0.0035%); highest among the groups gnomAD compares: African/African-American, 0.065%; no homozygotes.

Submissions (2):

Ambry Genetics
Classification: Uncertain significance. Last evaluated: 2025-02-15. Review status: criteria provided, single submitter. Criteria: Ambry Variant Classification Scheme 2023. Collection method: clinical testing. Allele origin: germline.

Labcorp Genetics (formerly Invitae), Labcorp
Classification: Uncertain significance. Last evaluated: 2024-11-06. Review status: criteria provided, single submitter. Criteria: Invitae Variant Classification Sherloc (09022015). Collection method: clinical testing. Allele origin: germline.
Comment: This sequence change replaces glutamine, which is neutral and polar, with leucine, which is neutral and non-polar, at codon 496 of the NSMF protein (p.Gln496Leu). This variant is present in population databases (rs373616272, gnomAD 0.03%). This variant has not been reported in the literature in individuals affected with NSMF-related conditions. An algorithm developed to predict the effect of missense changes on protein structure and function (PolyPhen-2) suggests that this variant is likely to be disruptive. In summary, the available evidence is currently insufficient to determine the role of this variant in disease. Therefore, it has been classified as a Variant of Uncertain Significance.

NM_001130969.3(NSMF):c.1493A>T (p.Gln498Leu)

Genes: NSMF (NMDA receptor synaptonuclear signaling and neuronal migration factor; minus strand), LOC126860797 (MED14-independent group 3 enhancer GRCh37_chr9:140343721-140344920; plus strand). Cytogenetic location: 9q34.3.
Variant type: single nucleotide variant.
Coding change: c.1493A>T on transcript NM_001130969.3 (MANE Select); coding-DNA position 1493, A replaced by T.
Protein change: p.Gln498Leu; replaces glutamine 498 with leucine.
Molecular consequence: missense variant.
Genome position (GRCh38, 1-based): chr9:137,449,601, T>A on the plus strand (A>T on the coding strand, the complement: NSMF is on the minus strand). VCF-style: chr9-137449601-T-A. GRCh37 (hg19) VCF-style: chr9-140344053-T-A.
Other names: c.1424A>T, p.Gln475Leu (NM_001130970.2); c.1418A>T, p.Gln473Leu (NM_001130971.2); c.1403A>T, p.Gln468Leu (NM_001178064.2); c.1487A>T, p.Gln496Leu (NM_015537.5); c.1487A>T (NM_015537.4); short protein forms Q468L, Q496L, Q473L, Q475L, Q498L.
Identifiers: ClinVar variation 3671946 (VCV003671946.3).
Genomic context (GRCh38, chr9:137,449,601, plus strand): 5'-CCACCCCACCGTGGCCCCGCAGTGGCTGCAGAGCTTCGGCCCAGCCTGGGTAACTCACCT[T>A]GGGCTGAGAGCTCCAGGGGTGACTCGAAGGTGACCCTATAAGGAGTCATGAGGGTCCTGA-3'
Protein context (NP_001124441.1, residues 488-508): TFESPLELSA[Gln498Leu]GKQMIETYFD